The following is an entry in ClinVar:

NM_000135.4(FANCA):c.1115_1118del (p.Val372fs)

Gene: FANCA (FA complementation group A; minus strand). Cytogenetic location: 16q24.3.
Variant type: Microsatellite.
Coding change: c.1115_1118del on transcript NM_000135.4 (MANE Select); coding-DNA positions 1115 to 1118, 4 bases deleted (TTGG; older notation c.1115_1118delTTGG).
Protein change: p.Val372fs; shifts the reading frame from valine 372.
Molecular consequence: frameshift variant.
Genome position (GRCh38, 1-based): chr16:89,792,034-89,792,037, CCAA deleted on the plus strand (TTGG on the coding strand, the reverse complement: FANCA is on the minus strand); deleting any 4 consecutive bases within chr16:89,792,034-89,792,042 gives the same sequence; the c. name uses the placement nearest the transcript's 3' end. VCF-style (leftmost placement, unchanged base first): chr16-89792033-GCCAA-G. GRCh37 (hg19) VCF-style: chr16-89858441-GCCAA-G.
Other names: p.Val372AlafsTer42; c.1115_1118del, p.Val372fs (NM_001286167.3); c.1115_1118delTTGG (NM_000135.4, NM_000135.3); c.1115_1118del (NM_000135.3); short protein forms V372fs.
Identifiers: ClinVar variation 3440 (VCV000003440.82), dbSNP rs397507552, ClinGen allele CA340092.

ClinVar aggregate classification (germline): Pathogenic. Review status: criteria provided, multiple submitters, no conflicts (2 of 4 stars). 19 submissions from 19 submitters: Pathogenic (15). 4 of the submissions do not count toward it. Last evaluated 2026-01-27.

Conditions:
FANCA-related disorder. Also called: FANCA-related condition.
FANCA-related disorders.
Fanconi anemia (FA). Also called: Fanconi's anemia. Identifiers: Orphanet 84, MedGen C0015625, MeSH D005199, MONDO:0019391.
Fanconi anemia complementation group A (FANCA). Also called: Fanconi anemia, group A; FANCA-Related Fanconi Anemia. Identifiers: Orphanet 84, MedGen C3469521, MONDO:0009215, OMIM 227650.

Submissions (19):

Labcorp Genetics (formerly Invitae), Labcorp
Classification: Pathogenic for Fanconi anemia. Last evaluated: 2026-01-27. Review status: criteria provided, single submitter. Criteria: Invitae Variant Classification Sherloc (09022015). Collection method: clinical testing. Allele origin: germline.
Comment: This sequence change creates a premature translational stop signal (p.Val372Alafs*42) in the FANCA gene. It is expected to result in an absent or disrupted protein product. Loss-of-function variants in FANCA are known to be pathogenic (PMID: 19367192). This variant is present in population databases (rs397507552, gnomAD 0.01%). This premature translational stop signal has been observed in individual(s) with Fanconi anemia (PMID: 8896564, 15643609, 17924555, 19367192, 21273304, 24584348). This variant is also known as 1159-1162delTTGG. For these reasons, this variant has been classified as Pathogenic.

PreventionGenetics, part of Exact Sciences
Classification: Pathogenic for FANCA-related condition. Last evaluated: 2026-01-12. Review status: criteria provided, single submitter. Criteria: ACMG Guidelines, 2015. Collection method: clinical testing. Allele origin: germline.
Comment: The FANCA c.1115_1118delTTGG variant is predicted to result in a frameshift and premature protein termination (p.Val372Alafs*42). This variant, also described as 1159_1162delTTGG in the literature, has been reported in the homozygous and compound heterozygous state in several individuals with Fanconi anemia (FABCC, 1996. PubMed ID: 8896564; Ameziane et al. 2008. PubMed ID: 17924555; Castella et al. 2011. PubMed ID: 21273304). This variant is reported in 0.014% of alleles in individuals of European (Non-Finnish) descent in gnomAD. Frameshift variants in FANCA are expected to be pathogenic. This variant is interpreted as pathogenic.

Natera, Inc.
Classification: Pathogenic for Fanconi anemia. Last evaluated: 2025-10-20. Review status: criteria provided, single submitter. Criteria: Natera Variant Classification Schema (03/2026). Collection method: clinical testing. Allele origin: germline.
Comment: The c.1115_1118delTTGG variant in FANCA is a frameshift variant predicted to shift the reading frame beginning at codon 372 and leads to a stop codon 42 codons downstream. This variant is expected to result in nonsense mediated decay, truncation, or a dysfunctional protein product. This variant is rare in the general population with a frequency below the threshold expected for the associated phenotype(s). This variant has been observed in one or more individuals affected with the associated recessive disease, as either homozygous or compound heterozygous with a second variant (PMID: 31839986). Given the available evidence, this variant is classified as Pathogenic.

Center for Genomic Medicine, Rigshospitalet, Copenhagen University Hospital
Classification: Pathogenic. Last evaluated: 2025-03-04. Review status: criteria provided, single submitter. Criteria: ACMG Guidelines, 2015. Collection method: clinical testing. Allele origin: germline.

Blueprint Genetics
Classification: Pathogenic for FANCA-related disorders. Last evaluated: 2024-10-31. Review status: criteria provided, single submitter. Criteria: ACMG Guidelines, 2015. Collection method: clinical testing. Allele origin: germline. Affected: yes. Observed: 5 variant alleles.

Revvity Omics, Revvity
Classification: Pathogenic for Fanconi anemia complementation group A. Last evaluated: 2024-10-18. Review status: criteria provided, single submitter. Criteria: ACMG Guidelines, 2015. Collection method: clinical testing. Allele origin: germline.

Molecular Genetics and NGS Laboratory, Hospital Fundacion Valle Del Lili
Classification: Pathogenic for Fanconi anemia complementation group A. Last evaluated: 2024-08-27. Review status: criteria provided, single submitter. Criteria: ACMG Guidelines, 2015. Collection method: clinical testing. Allele origin: germline. Affected: yes. Observed: 1 variant allele.

Fulgent Genetics
Classification: Pathogenic for Fanconi anemia complementation group A. Last evaluated: 2024-05-24. Review status: criteria provided, single submitter. Criteria: ACMG Guidelines, 2015. Collection method: clinical testing. Allele origin: germline.

Equipe Genetique des Anomalies du Developpement, Université de Bourgogne
Classification: Pathogenic for Fanconi anemia complementation group A. Last evaluated: 2024-04-16. Review status: criteria provided, single submitter. Criteria: ACMG Guidelines, 2015. Collection method: clinical testing. Allele origin: paternal. Affected: yes.

Baylor Genetics
Classification: Pathogenic for Fanconi anemia complementation group A. Last evaluated: 2024-03-30. Review status: criteria provided, single submitter. Criteria: ACMG Guidelines, 2015. Collection method: clinical testing. Allele origin: unknown.

GeneDx
Classification: Pathogenic. Last evaluated: 2023-05-25. Review status: criteria provided, single submitter. Criteria: GeneDx Variant Classification Process June 2021. Collection method: clinical testing. Allele origin: germline. Affected: yes.
Comment: Frameshift variant predicted to result in protein truncation or nonsense mediated decay in a gene for which loss-of-function is a known mechanism of disease; Observed in the heterozygous state in a patient with bone marrow failure syndrome (Perez Botero et al., 2018); This variant is associated with the following publications: (PMID: 31970404, 8896564, 29625052, 26689913, 31589614, 33630411, 33736979, 28104920, 35512711, 34308104, 33718801, 28485484)

Quest Diagnostics Nichols Institute San Juan Capistrano
Classification: Pathogenic. Last evaluated: 2022-05-10. Review status: criteria provided, single submitter. Criteria: Quest Diagnostics criteria. Collection method: clinical testing. Allele origin: unknown.
Comment: This frameshift variant alters the translational reading frame of the FANCA mRNA and causes the premature termination of FANCA protein synthesis. The frequency of this variant in the general population, 0.0002 (10/50810 chromosomes), is consistent with pathogenicity. In the published literature, the variant has been reported in patients affected with fanconi anemia (PMIDs: 24584348 (2014), 22778927 (2012), 21273304 (2011), 19367192 (2009), 17924555 (2008), 15643609 (2005)). Based on the available information, this variant is classified as pathogenic.

Victorian Clinical Genetics Services, Murdoch Childrens Research Institute
Classification: Pathogenic for Fanconi anemia complementation group A. Last evaluated: 2020-05-21. Review status: criteria provided, single submitter. Criteria: ACMG Guidelines, 2015. Collection method: clinical testing. Allele origin: germline. Inheritance: Autosomal recessive inheritance.
Comment: A heterozygous deletion variant was identified, NM_000135.2(FANCA):c.1115_1118del in exon 13 of 43 of the FANCA gene. (NB: This variant is non-coding in alternative transcripts). This deletion is predicted to cause a frameshift from amino acid position 372 introducing a stop codon downstream; NP_000126.2(FANCA):p.(Val372Alafs*42), resulting in loss of normal protein function through nonsense-mediated decay (NMD). The variant is present in the gnomAD population database at a global population frequency of 0.0067% (19 heterozygotes, 0 homozygotes) with a European sub-population frequency of 0.014%. The variant has been previously reported in patients with Fanconi anemia (ClinVar, Pilonetto, D. V. et al. (2017), Castella, M. et al. (2011)). Other variants predicted to cause NMD have also been reported as pathogenic in individuals with Fanconi anemia (ClinVar). Based on information available at the time of curation, this variant has been classified as PATHOGENIC.

CeGaT Center for Human Genetics Tuebingen
Classification: Pathogenic. Last evaluated: 2020-02-01. Review status: criteria provided, single submitter. Criteria: CeGaT Center For Human Genetics Tuebingen Variant Classification Criteria Version 2. Collection method: clinical testing. Allele origin: germline. Affected: yes. Observed: 2 variant alleles.

Genetic Services Laboratory, University of Chicago
Classification: Pathogenic for Fanconi anemia, complementation group A. Last evaluated: 2015-09-30. Review status: criteria provided, single submitter. Criteria: ACMG Guidelines, 2015. Collection method: clinical testing. Allele origin: germline. Affected: yes.

Leiden Open Variation Database
Classification: Pathogenic for Fanconi anemia complementation group A. Last evaluated: 2020-02-28. Review status: no assertion criteria provided. Collection method: curation. Allele origin: germline. Affected: yes. Not counted in ClinVar's aggregate classification.
Comment: Curator: Arleen D. Auerbach. Submitters to LOVD: Arleen D. Auerbach, Daniela Pilonetto, Johan de Winter, Sue Richards.

Counsyl
Classification: Pathogenic for Fanconi anemia complementation group A. Last evaluated: 2016-08-16. Review status: no assertion criteria provided. Collection method: clinical testing. Allele origin: unknown. Not counted in ClinVar's aggregate classification.

OMIM
Classification: Pathogenic for FANCONI ANEMIA, COMPLEMENTATION GROUP A. Last evaluated: 1996-11-01. Review status: no assertion criteria provided. Collection method: literature only. Allele origin: germline. Not counted in ClinVar's aggregate classification.

GeneReviews
No classification provided. Condition: Fanconi anemia complementation group A. Review status: no classification provided. Collection method: literature only. Allele origin: germline. Not counted in ClinVar's aggregate classification.
Comment: Common in northern Europeans

Literature cited by the submitters: PubMed 19367192 (cited by Labcorp Genetics (formerly Invitae), Labcorp and Quest Diagnostics Nichols Institute San Juan Capistrano); PubMed 8896564 (cited by Labcorp Genetics (formerly Invitae), Labcorp and OMIM); PubMed 15643609 (cited by Labcorp Genetics (formerly Invitae), Labcorp and Quest Diagnostics Nichols Institute San Juan Capistrano); PubMed 17924555 (cited by 3 submitters); PubMed 21273304 (cited by 4 submitters); PubMed 24584348 (cited by 3 submitters); PubMed 31839986 (cited by Natera, Inc.); PubMed 33718801 (cited by Center for Genomic Medicine, Rigshospitalet, Copenhagen University Hospital); PubMed 31970404 (cited by Center for Genomic Medicine, Rigshospitalet, Copenhagen University Hospital); PubMed 35512711 (cited by Center for Genomic Medicine, Rigshospitalet, Copenhagen University Hospital); PubMed 29625052 (cited by Center for Genomic Medicine, Rigshospitalet, Copenhagen University Hospital); PubMed 22778927 (cited by Quest Diagnostics Nichols Institute San Juan Capistrano and Leiden Open Variation Database); PubMed 28717661 (cited by Victorian Clinical Genetics Services, Murdoch Childrens Research Institute); PubMed 08896564 (cited by Leiden Open Variation Database); PubMed 10094191 (cited by Leiden Open Variation Database); PubMed 10521298 (cited by Leiden Open Variation Database); NCBI Bookshelf NBK1401 (cited by GeneReviews); PubMed 20301575 (cited by GeneReviews).